The following is an entry in ClinVar:

NM_138576.4(BCL11B):c.2317G>A (p.Gly773Arg)

Gene: BCL11B (BCL11 transcription factor B; minus strand). Cytogenetic location: 14q32.2.
Variant type: single nucleotide variant.
Coding change: c.2317G>A on transcript NM_138576.4 (MANE Select); coding-DNA position 2317, G replaced by A.
Protein change: p.Gly773Arg; replaces glycine 773 with arginine.
Molecular consequence: missense variant.
Genome position (GRCh38, 1-based): chr14:99,174,519, C>T on the plus strand (G>A on the coding strand, the complement: BCL11B is on the minus strand). VCF-style: chr14-99174519-C-T. GRCh37 (hg19) VCF-style: chr14-99640856-C-T.
Other names: c.2104G>A (NM_022898.2); c.2314G>A, p.Gly772Arg (NM_001282237.2); c.2101G>A, p.Gly701Arg (NM_001282238.2); c.2104G>A, p.Gly702Arg (NM_022898.3); short protein forms G701R, G773R, G702R, G772R.
Identifiers: ClinVar variation 1489084 (VCV001489084.6), dbSNP rs1160277604, ClinGen allele CA390933496.

ClinVar aggregate classification (germline): Uncertain significance. Review status: criteria provided, multiple submitters, no conflicts (2 of 4 stars). 2 submissions from 2 submitters: Uncertain significance (2). Last evaluated 2023-06-30.

Conditions:
BCL11B-related disorder. Also called: BCL11B-Related Disorders.

Allele frequency attached by ClinVar (database versions not stated): TOPMed below 0.00001; gnomAD 0.00001.
gnomAD v4.1: 3 of 1,528,984 alleles (0.0002%); highest among the groups gnomAD compares: East Asian, 0.0025%; no homozygotes.

Submissions (2):

PreventionGenetics, part of Exact Sciences
Classification: Uncertain significance for BCL11B-related condition. Last evaluated: 2023-06-30. Review status: criteria provided, single submitter. Criteria: ACMG Guidelines, 2015. Collection method: clinical testing. Allele origin: germline.
Comment: The BCL11B c.2104G>A variant is predicted to result in the amino acid substitution p.Gly702Arg. To our knowledge, this variant has not been reported in the literature or in a large population database, indicating this variant is rare. At this time, the clinical significance of this variant is uncertain due to the absence of conclusive functional and genetic evidence.

Labcorp Genetics (formerly Invitae), Labcorp
Classification: Uncertain significance. Last evaluated: 2021-11-14. Review status: criteria provided, single submitter. Criteria: Invitae Variant Classification Sherloc (09022015). Collection method: clinical testing. Allele origin: germline.
Comment: In summary, the available evidence is currently insufficient to determine the role of this variant in disease. Therefore, it has been classified as a Variant of Uncertain Significance. Algorithms developed to predict the effect of missense changes on protein structure and function are either unavailable or do not agree on the potential impact of this missense change (SIFT: "Deleterious"; PolyPhen-2: "Benign"; Align-GVGD: "Class C0"). This variant has not been reported in the literature in individuals affected with BCL11B-related conditions. This variant is not present in population databases (gnomAD no frequency). This sequence change replaces glycine, which is neutral and non-polar, with arginine, which is basic and polar, at codon 773 of the BCL11B protein (p.Gly773Arg).